The following is an entry in ClinVar:

ClinVar aggregate classification (germline): Benign/Likely benign. Review status: criteria provided, multiple submitters, no conflicts (2 of 4 stars). 3 submissions from 3 submitters: Benign (1); Likely benign (1). 1 of the submissions does not count toward it. Last evaluated 2025-11-28.

Conditions:
TJP2-related disorder. Also called: TJP2-related condition.

Allele frequency attached by ClinVar (database versions not stated): TOPMed 0.00006; ESP Exome Variant Server 0.00023.
gnomAD v4.1: 101 of 1,613,970 alleles (0.0063%); highest among the groups gnomAD compares: Non-Finnish European, 0.00076%; no homozygotes.

Submissions (3):

Labcorp Genetics (formerly Invitae), Labcorp
Classification: Benign. Last evaluated: 2025-11-28. Review status: criteria provided, single submitter. Criteria: Invitae Variant Classification Sherloc (09022015). Collection method: clinical testing. Allele origin: germline.

Laboratory for Molecular Medicine, Mass General Brigham Personalized Medicine
Classification: Likely benign. Last evaluated: 2013-11-25. Review status: criteria provided, single submitter. Criteria: LMM Criteria. Collection method: clinical testing. Allele origin: germline. Observed: 1 variant allele.
Comment: 1452-7A>C in Intron 11 of TJP2: This variant is not expected to have clinical si gnificance because it does not diverge from the splice site consensus sequence a nd computational tools do not predict an impact to splicing. This variant has be en identified in 0.04% (3/8600) of European American chromosomes by the NHLBI Ex ome Sequencing Project (dbSNP rs373242928).

PreventionGenetics, part of Exact Sciences
Classification: Likely benign for TJP2-related condition. Last evaluated: 2021-11-19. Review status: no assertion criteria provided. Collection method: clinical testing. Allele origin: germline. Not counted in ClinVar's aggregate classification.
Comment: This variant is classified as likely benign based on ACMG/AMP sequence variant interpretation guidelines (Richards et al. 2015 PMID: 25741868, with internal and published modifications).

NM_004817.4(TJP2):c.1521-7A>C

Gene: TJP2 (tight junction protein 2; plus strand). Cytogenetic location: 9q21.11.
Variant type: single nucleotide variant.
Coding change: c.1521-7A>C on transcript NM_004817.4 (MANE Select); 7 bases into the intron before coding-DNA position 1521, A replaced by C.
Molecular consequence: intron variant.
Genome position (GRCh38, 1-based): chr9:69,230,075, A>C. VCF-style: chr9-69230075-A-C. GRCh37 (hg19) VCF-style: chr9-71844991-A-C.
Other names: c.1452-7A>C (NM_001170414.2, NM_001369871.1); c.1446-7A>C (NM_001369870.1); c.1521-7A>C (NM_201629.3, NM_001369872.1, NM_001369873.1 and 1 more transcripts); c.1533-7A>C (NM_001170415.1, NM_001369875.1, NM_001369874.1); c.1614-7A>C (NM_001170416.2).
Identifiers: ClinVar variation 178544 (VCV000178544.11), dbSNP rs373242928, ClinGen allele CA182531.